The following is an entry in ClinVar:

ClinVar aggregate classification (germline): Pathogenic (1 of 4 stars; one submission).

Conditions:
5-Oxoprolinase deficiency (OPLAHD). Also called: 5-OXOPROLINURIA DUE TO 5-OXOPROLINASE DEFICIENCY. Identifiers: Orphanet 33572, MedGen C0268525, MONDO:0009825, OMIM 260005, HP:0040142.

Allele frequency attached by ClinVar (database versions not stated): gnomAD 0.00001; gnomAD exomes 0.00001; TOPMed 0.00001; ExAC 0.00002; 1000 Genomes Project 30x 0.00016; 1000 Genomes Project 0.00020.

Submission:

Labcorp Genetics (formerly Invitae), Labcorp
Classification: Pathogenic for 5-Oxoprolinase deficiency. Last evaluated: 2026-01-15. Review status: criteria provided, single submitter. Criteria: Invitae Variant Classification Sherloc (09022015). Collection method: clinical testing. Allele origin: germline.
Comment: This sequence change creates a premature translational stop signal (p.Arg853*) in the OPLAH gene. It is expected to result in an absent or disrupted protein product. Loss-of-function variants in OPLAH are known to be pathogenic (PMID: 21651516, 27477828). This variant is present in population databases (rs543486699, gnomAD 0.007%). This variant has not been reported in the literature in individuals affected with OPLAH-related conditions. ClinVar contains an entry for this variant (Variation ID: 572337). Algorithms developed to predict the effect of sequence changes on RNA splicing suggest that this variant may disrupt the consensus splice site. For these reasons, this variant has been classified as Pathogenic.

Literature cited by the submitters: PubMed 21651516; PubMed 27477828.

NM_017570.5(OPLAH):c.2557C>T (p.Arg853Ter)

Gene: OPLAH (5-oxoprolinase, ATP-hydrolysing; minus strand). Cytogenetic location: 8q24.3.
Variant type: single nucleotide variant.
Coding change: c.2557C>T on transcript NM_017570.5 (MANE Select); coding-DNA position 2557, C replaced by T.
Protein change: p.Arg853Ter; replaces arginine 853 with a stop codon.
Molecular consequence: nonsense.
Genome position (GRCh38, 1-based): chr8:144,054,690, G>A on the plus strand (C>T on the coding strand, the complement: OPLAH is on the minus strand). VCF-style: chr8-144054690-G-A. GRCh37 (hg19) VCF-style: chr8-145109593-G-A.
Other names: short protein forms R853*.
Identifiers: ClinVar variation 572337 (VCV000572337.2), dbSNP rs543486699, ClinGen allele CA4931418.